The following is an entry in ClinVar:

NM_017491.5(WDR1):c.1498G>A (p.Asp500Asn)

Gene: WDR1 (WD repeat domain 1; minus strand). Cytogenetic location: 4p16.1.
Variant type: single nucleotide variant.
Coding change: c.1498G>A on transcript NM_017491.5 (MANE Select); coding-DNA position 1498, G replaced by A.
Protein change: p.Asp500Asn; replaces aspartic acid 500 with asparagine.
Molecular consequence: missense variant.
Genome position (GRCh38, 1-based): chr4:10,077,824, C>T on the plus strand (G>A on the coding strand, the complement: WDR1 is on the minus strand). VCF-style: chr4-10077824-C-T. GRCh37 (hg19) VCF-style: chr4-10079448-C-T.
Other names: c.1078G>A, p.Asp360Asn (NM_005112.5); short protein forms D360N, D500N.
Identifiers: ClinVar variation 3602807 (VCV003602807.1).

ClinVar aggregate classification (germline): Uncertain significance (1 of 4 stars; one submission).

gnomAD v4.1: 30 of 1,608,122 alleles (0.0019%); highest among the groups gnomAD compares: South Asian, 0.0022%; no homozygotes.

Submission:

GeneDx
Classification: Uncertain significance. Last evaluated: 2024-08-06. Review status: criteria provided, single submitter. Criteria: GeneDx Variant Classification Process June 2021. Collection method: clinical testing. Allele origin: germline. Affected: yes.
Comment: In silico analysis indicates that this missense variant does not alter protein structure/function; Has not been previously published as pathogenic or benign to our knowledge